The following is an entry in ClinVar:

NM_003676.4(DEGS1):c.809G>C (p.Gly270Ala)

Gene: DEGS1 (delta 4-desaturase, sphingolipid 1; plus strand). Cytogenetic location: 1q42.11.
Variant type: single nucleotide variant.
Coding change: c.809G>C on transcript NM_003676.4 (MANE Select); coding-DNA position 809, G replaced by C.
Protein change: p.Gly270Ala; replaces glycine 270 with alanine.
Molecular consequence: missense variant.
Genome position (GRCh38, 1-based): chr1:224,190,303, G>C. VCF-style: chr1-224190303-G-C. GRCh37 (hg19) VCF-style: chr1-224378005-G-C.
Other names: c.809G>C, p.Gly270Ala (NM_001321541.2); c.701G>C, p.Gly234Ala (NM_001321542.2); c.809G>C (NM_003676.2); short protein forms G234A, G270A.
Identifiers: ClinVar variation 1474900 (VCV001474900.9), dbSNP rs377178997, ClinGen allele CA1413686.

ClinVar aggregate classification (germline): Uncertain significance. Review status: criteria provided, multiple submitters, no conflicts (2 of 4 stars). 4 submissions from 4 submitters: Uncertain significance (4). Last evaluated 2024-08-29.

Conditions:
Inborn genetic diseases. Identifiers: MedGen C0950123, MeSH D030342.

Allele frequency attached by ClinVar (database versions not stated): gnomAD exomes 0.00002; ExAC 0.00003; gnomAD 0.00003 and 0.00004; TOPMed 0.00004; ESP Exome Variant Server 0.00008.
gnomAD v4.1: 41 of 1,486,748 alleles (0.0028%); highest among the groups gnomAD compares: Middle Eastern, 0.13%; 2 homozygotes.

Submissions (4):

Blueprint Genetics
Classification: Uncertain significance. Last evaluated: 2024-08-29. Review status: criteria provided, single submitter. Criteria: ACMG Guidelines, 2015. Collection method: clinical testing. Allele origin: germline.

Labcorp Genetics (formerly Invitae), Labcorp
Classification: Uncertain significance. Last evaluated: 2022-08-31. Review status: criteria provided, single submitter. Criteria: Invitae Variant Classification Sherloc (09022015). Collection method: clinical testing. Allele origin: germline.
Comment: In summary, the available evidence is currently insufficient to determine the role of this variant in disease. Therefore, it has been classified as a Variant of Uncertain Significance. Algorithms developed to predict the effect of missense changes on protein structure and function (SIFT, PolyPhen-2, Align-GVGD) all suggest that this variant is likely to be disruptive. ClinVar contains an entry for this variant (Variation ID: 1474900). This variant has not been reported in the literature in individuals affected with DEGS1-related conditions. This variant is present in population databases (rs377178997, gnomAD 0.01%). This sequence change replaces glycine, which is neutral and non-polar, with alanine, which is neutral and non-polar, at codon 270 of the DEGS1 protein (p.Gly270Ala).

Ambry Genetics
Classification: Uncertain significance for Inborn genetic diseases. Last evaluated: 2021-07-21. Review status: criteria provided, single submitter. Criteria: Ambry Variant Classification Scheme 2023. Collection method: clinical testing. Allele origin: germline.

Breakthrough Genomics
Classification: Uncertain significance. Review status: criteria provided, single submitter. Criteria: ACMG Guidelines, 2015. Collection method: not provided. Allele origin: germline. Inheritance: Autosomal recessive inheritance. Affected: yes.